The following is an entry in ClinVar:

NM_000141.5(FGFR2):c.863T>A (p.Ile288Asn)

Gene: FGFR2 (fibroblast growth factor receptor 2; minus strand). Cytogenetic location: 10q26.13.
Variant type: single nucleotide variant.
Coding change: c.863T>A on transcript NM_000141.5 (MANE Select); coding-DNA position 863, T replaced by A.
Protein change: p.Ile288Asn; replaces isoleucine 288 with asparagine.
Molecular consequence: missense variant. On other transcripts: non-coding transcript variant (1), intron variant (1).
Genome position (GRCh38, 1-based): chr10:121,520,055, A>T on the plus strand (T>A on the coding strand, the complement: FGFR2 is on the minus strand). VCF-style: chr10-121520055-A-T. GRCh37 (hg19) VCF-style: chr10-123279569-A-T.
Other names: p.Ile288Asn; c.863T>A, p.Ile288Asn (NM_001144913.1, NM_001144917.2, NM_001320658.2 and 1 more transcripts); c.596T>A, p.Ile199Asn (NM_001144915.2, NM_001144919.2, NM_023029.3); c.518T>A, p.Ile173Asn (NM_001144916.2, NM_001144918.2); c.179T>A, p.Ile60Asn (NM_001320654.2); c.749-4736T>A (NM_001144914.1); short protein forms I173N, I288N, I60N, I199N.
Identifiers: ClinVar variation 846218 (VCV000846218.6), dbSNP rs1850289942, ClinGen allele CA378330706.

ClinVar aggregate classification (germline): Pathogenic/Likely pathogenic. Review status: criteria provided, multiple submitters, no conflicts (2 of 4 stars). 2 submissions from 2 submitters: Pathogenic (1); Likely pathogenic (1). Last evaluated 2025-12-01.

Conditions:
FGFR2-related craniosynostosis. Identifiers: MedGen CN231480.

Submissions (2):

Mayo Clinic Laboratories, Mayo Clinic
Classification: Likely pathogenic. Last evaluated: 2025-12-01. Review status: criteria provided, single submitter. Criteria: ACMG Guidelines, 2015. Collection method: clinical testing. Allele origin: germline. Observed: 1 variant allele.
Comment: PP4, PM1, PM2_supporting, PS4_supporting

Labcorp Genetics (formerly Invitae), Labcorp
Classification: Pathogenic for FGFR2-related craniosynostosis. Last evaluated: 2021-08-31. Review status: criteria provided, single submitter. Criteria: Invitae Variant Classification Sherloc (09022015). Collection method: clinical testing. Allele origin: germline.

Literature cited by the submitters: PubMed 16418739 (cited by Mayo Clinic Laboratories, Mayo Clinic); PubMed 9521581 (cited by Mayo Clinic Laboratories, Mayo Clinic); PubMed 9973282 (cited by Mayo Clinic Laboratories, Mayo Clinic).